The following is an entry in ClinVar:

ClinVar aggregate classification (germline): Benign/Likely benign. Review status: criteria provided, multiple submitters, no conflicts (2 of 4 stars). 3 submissions from 3 submitters: Benign (2); Likely benign (1). Last evaluated 2026-03-01.

Allele frequency attached by ClinVar (database versions not stated): gnomAD exomes 0.00047; ExAC 0.00056; 1000 Genomes Project 0.00160; 1000 Genomes Project 30x 0.00219; gnomAD 0.00304 and 0.00332; ESP Exome Variant Server 0.00323.
gnomAD v4.1: 677 of 1,606,748 alleles (0.042%); highest among the groups gnomAD compares: African/African-American, 0.85%; 2 homozygotes.

Submissions (3):

CeGaT Center for Human Genetics Tuebingen
Classification: Likely benign. Last evaluated: 2026-03-01. Review status: criteria provided, single submitter. Criteria: CeGaT Center For Human Genetics Tuebingen Variant Classification Criteria Version 2. Collection method: clinical testing. Allele origin: germline. Affected: yes. Observed: 2 variant alleles.
Comment: SON: BP4, BP7

Labcorp Genetics (formerly Invitae), Labcorp
Classification: Benign. Last evaluated: 2026-01-24. Review status: criteria provided, single submitter. Criteria: Invitae Variant Classification Sherloc (09022015). Collection method: clinical testing. Allele origin: germline.

Breakthrough Genomics
Classification: Benign. Review status: criteria provided, single submitter. Criteria: ACMG Guidelines, 2015. Collection method: not provided. Allele origin: germline. Inheritance: Autosomal dominant inheritance. Affected: yes.

NM_138927.4(SON):c.2364T>C (p.Thr788=)

Gene: SON (SON DNA and RNA binding protein; plus strand). Cytogenetic location: 21q22.11.
Variant type: single nucleotide variant.
Coding change: c.2364T>C on transcript NM_138927.4 (MANE Select); coding-DNA position 2364, T replaced by C.
Protein change: p.Thr788=; no amino-acid change (threonine 788 retained).
Molecular consequence: synonymous variant. On other transcripts: non-coding transcript variant (1), intron variant (1).
Genome position (GRCh38, 1-based): chr21:33,551,595, T>C. VCF-style: chr21-33551595-T-C. GRCh37 (hg19) VCF-style: chr21-34923901-T-C.
Other names: c.2364T>C, p.Thr788= (NM_001291411.2, NM_032195.3); c.244+5216T>C (NM_001291412.3).
Identifiers: ClinVar variation 783877 (VCV000783877.35), dbSNP rs140574025, ClinGen allele CA10009090.